The following is an entry in ClinVar:

ClinVar aggregate classification (germline): Uncertain significance (1 of 4 stars; one submission).

Submission:

Labcorp Genetics (formerly Invitae), Labcorp
Classification: Uncertain significance. Last evaluated: 2022-06-08. Review status: criteria provided, single submitter. Criteria: Invitae Variant Classification Sherloc (09022015). Collection method: clinical testing. Allele origin: germline.
Comment: This variant has not been reported in the literature in individuals affected with CDK13-related conditions. In summary, the available evidence is currently insufficient to determine the role of this variant in disease. Therefore, it has been classified as a Variant of Uncertain Significance. This variant results in a copy number gain of the genomic region encompassing exon(s) 2-14 of the CDK13 gene. This region includes the termination codon of the gene. This copy number gain extends beyond the assayed region for this gene and therefore may encompass additional genes. As the precise location of this event is unknown, it may be in tandem or it may be located elsewhere in the genome.

NC_000007.13:g.(?_40027178)_(40134579_?)dup

Gene: CDK13 (cyclin dependent kinase 13; plus strand). Cytogenetic location: 7p14.1.
Variant type: Duplication.
Identifiers: ClinVar variation 2424742 (VCV002424742.4).